The following is an entry in ClinVar:

NM_000038.6(APC):c.423-30_423-15delinsGT

Gene: APC (APC regulator of Wnt signaling pathway; plus strand). Cytogenetic location: 5q22.2.
Variant type: Indel.
Coding change: c.423-30_423-15delinsGT on transcript NM_000038.6 (MANE Select); 30 bases into the intron before coding-DNA position 423 through 15 bases into the intron before coding-DNA position 423, ACGTACCTTTTTTTAA replaced by GT.
Molecular consequence: intron variant.
Genome position (GRCh38, 1-based): chr5:112,775,599-112,775,614, ACGTACCTTTTTTTAA replaced by GT. VCF-style: chr5-112775599-ACGTACCTTTTTTTAA-GT. GRCh37 (hg19) VCF-style: chr5-112111296-ACGTACCTTTTTTTAA-GT.
Other names: c.423-30_423-15delinsGT (NM_001354895.2, NM_001127510.3, NM_001354896.2 and 2 more transcripts); c.453-30_453-15delinsGT (NM_001354897.2, NM_001354902.2, NM_001127511.3); c.348-30_348-15delinsGT (NM_001354898.2, NM_001354904.2); c.-613-30_-613-15delinsGT (NM_001354906.2); c.246-30_246-15delinsGT (NM_001354900.2, NM_001354901.2, NM_001354905.2).
Identifiers: ClinVar variation 1738925 (VCV001738925.4), dbSNP rs2532408872, ClinGen allele CA2580072229.

ClinVar aggregate classification (germline): Conflicting classifications of pathogenicity. Review status: criteria provided, conflicting classifications (1 of 4 stars). 2 submissions from 2 submitters: Likely pathogenic (1); Uncertain significance (1). Last evaluated 2023-04-26.

Conditions:
Hereditary cancer-predisposing syndrome. Also called: Hereditary Cancer Syndrome; Hereditary neoplastic syndrome; Neoplastic Syndromes, Hereditary; Tumor predisposition. Identifiers: Orphanet 140162, MedGen C0027672, MeSH D009386, MONDO:0015356.
Familial adenomatous polyposis 1 (FAP1). Also called: FAMILIAL ADENOMATOUS POLYPOSIS 1, ATTENUATED; POLYPOSIS, ADENOMATOUS INTESTINAL. Identifiers: MedGen C2713442, MONDO:0021056, OMIM 175100. Disease mechanism: loss of function.

Submissions (2):

Myriad Genetics, Inc.
Classification: Likely pathogenic for Familial adenomatous polyposis 1. Last evaluated: 2023-04-26. Review status: criteria provided, single submitter. Criteria: Myriad Autosomal Dominant, Autosomal Recessive and X-Linked Classification Criteria (2023). Collection method: clinical testing. Allele origin: unknown.
Comment: This variant is considered likely pathogenic. mRNA analysis has demonstrated abnormal mRNA splicing occurs [Myriad internal data].

Ambry Genetics
Classification: Uncertain significance for Hereditary cancer-predisposing syndrome. Last evaluated: 2016-04-19. Review status: criteria provided, single submitter. Criteria: Ambry Variant Classification Scheme 2023. Collection method: clinical testing. Allele origin: germline.
Comment: The c.423-30_423-15delinsGT intronic variant, located in intron 3 of the APC gene, results from the deletion of 16 nucleotides at positions c.423-30 to c.423-15 and the insertion of two nucleotides (GT). This variant was not reported in population based cohorts in the following databases: Database of Single Nucleotide Polymorphisms (dbSNP), NHLBI Exome Sequencing Project (ESP), and 1000 Genomes Project. In the ESP, this variant was not observed in 6466 samples (12932 alleles) with coverage at this position. To date, this alteration has been detected with an allele frequency of approximately 0.001% (greater than 70000 alleles tested) in our clinical cohort. The deleted nucleotides are somewhat conserved in available vertebrate species. The BDGP and ESEfinder in silico splice prediction models do not produce a reliable prediction for the nearby native splice acceptor site and experimental evidence is not available. Since supporting evidence is limited at this time, the clinical significance of this alteration remains unclear.